The following is an entry in ClinVar:

NM_000784.4(CYP27A1):c.256-1G>C

Gene: CYP27A1 (cytochrome P450 family 27 subfamily A member 1; plus strand). Cytogenetic location: 2q35.
Variant type: single nucleotide variant.
Coding change: c.256-1G>C on transcript NM_000784.4 (MANE Select); the canonical splice acceptor site of the intron before coding-DNA position 256, G replaced by C.
Molecular consequence: splice acceptor variant.
Genome position (GRCh38, 1-based): chr2:218,809,576, G>C. VCF-style: chr2-218809576-G-C. GRCh37 (hg19) VCF-style: chr2-219674299-G-C.
Identifiers: ClinVar variation 4065729 (VCV004065729.2).

ClinVar aggregate classification (germline): Pathogenic (1 of 4 stars; one submission).

Conditions:
Cholestanol storage disease (CTX). Also called: CEREBRAL CHOLESTERINOSIS; Cerebrotendinous Xanthomatosis; CTX: Cerebrotendinous xanthomatosis. Identifiers: Orphanet 909, MedGen C0238052, MONDO:0008948, OMIM 213700.

Submission:

Natera, Inc.
Classification: Pathogenic for Cerebrotendinous xanthomatosis. Last evaluated: 2025-05-05. Review status: criteria provided, single submitter. Criteria: Natera Variant Classification Schema (03/2026). Collection method: clinical testing. Allele origin: germline.
Comment: The c.256-1G>C variant in CYP27A1 is a canonical splice acceptor site variant predicted to affect pre-mRNA splicing, which may result in an abnormal transcript and altered protein product. This variant is expected to result in nonsense mediated decay, truncation, or a dysfunctional protein product. This variant is rare in the general population with a frequency below the threshold expected for the associated phenotype(s). This variant has been observed in one or more individuals affected with the associated recessive disease, as either homozygous or compound heterozygous with a second variant (PMID: 38772327). Given the available evidence, this variant is classified as Pathogenic.

Literature cited by the submitters: PubMed 38772327.